The following is an entry in ClinVar:

ClinVar aggregate classification (germline): Uncertain significance (1 of 4 stars; one submission).

Conditions:
Inborn genetic diseases. Identifiers: MedGen C0950123, MeSH D030342.

Submission:

Ambry Genetics
Classification: Uncertain significance for Inborn genetic diseases. Last evaluated: 2025-02-28. Review status: criteria provided, single submitter. Criteria: Ambry Variant Classification Scheme 2023. Collection method: clinical testing. Allele origin: germline.
Comment: The p.L1322I variant (also known as c.3964T>A), located in coding exon 1 of the SAMD9L gene, results from a T to A substitution at nucleotide position 3964. The leucine at codon 1322 is replaced by isoleucine, an amino acid with highly similar properties. This amino acid position is conserved. In addition, this alteration is predicted to be tolerated by in silico analysis. Based on the available evidence, the clinical significance of this variant remains unclear.

NM_152703.5(SAMD9L):c.3964T>A (p.Leu1322Ile)

Gene: SAMD9L (sterile alpha motif domain containing 9 like; minus strand). Cytogenetic location: 7q21.2.
Variant type: single nucleotide variant.
Coding change: c.3964T>A on transcript NM_152703.5 (MANE Select); coding-DNA position 3964, T replaced by A.
Protein change: p.Leu1322Ile; replaces leucine 1322 with isoleucine.
Molecular consequence: missense variant.
Genome position (GRCh38, 1-based): chr7:93,132,008, A>T on the plus strand (T>A on the coding strand, the complement: SAMD9L is on the minus strand). VCF-style: chr7-93132008-A-T. GRCh37 (hg19) VCF-style: chr7-92761321-A-T.
Other names: c.3964T>A, p.Leu1322Ile (NM_001303496.3, NM_001303497.3, NM_001303498.3 and 5 more transcripts); short protein forms L1322I.
Identifiers: ClinVar variation 3792465 (VCV003792465.1).